The following is an entry in ClinVar:

NM_014244.5(ADAMTS2):c.3005del (p.Cys1002fs)

Gene: ADAMTS2 (ADAM metallopeptidase with thrombospondin type 1 motif 2; minus strand). Cytogenetic location: 5q35.3.
Variant type: Deletion.
Coding change: c.3005del on transcript NM_014244.5 (MANE Select); coding-DNA position 3005, one base deleted (G; older notation c.3005delG).
Protein change: p.Cys1002fs; shifts the reading frame from cysteine 1002.
Molecular consequence: frameshift variant.
Genome position (GRCh38, 1-based): chr5:179,122,727, C deleted on the plus strand (G on the coding strand, the reverse complement: ADAMTS2 is on the minus strand). VCF-style (leftmost placement, unchanged base first): chr5-179122726-GC-G. GRCh37 (hg19) VCF-style: chr5-178549727-GC-G.
Other names: short protein forms C1002fs.
Identifiers: ClinVar variation 2990470 (VCV002990470.3), dbSNP rs754044289, ClinGen allele CA3595334.

ClinVar aggregate classification (germline): Pathogenic (1 of 4 stars; one submission).

Conditions:
Ehlers-Danlos syndrome, dermatosparaxis type. Also called: EDS VIIC; Ehlers-Danlos syndrome, type VII, autosomal recessive; Dermatosparaxis. Identifiers: Orphanet 1901, MedGen C2700425, MONDO:0009161, OMIM 225410.

Submission:

Labcorp Genetics (formerly Invitae), Labcorp
Classification: Pathogenic for Ehlers-Danlos syndrome, dermatosparaxis type. Last evaluated: 2023-10-10. Review status: criteria provided, single submitter. Criteria: Invitae Variant Classification Sherloc (09022015). Collection method: clinical testing. Allele origin: germline.
Comment: This sequence change creates a premature translational stop signal (p.Cys1002Serfs*40) in the ADAMTS2 gene. It is expected to result in an absent or disrupted protein product. Loss-of-function variants in ADAMTS2 are known to be pathogenic (PMID: 10417273). This variant is not present in population databases (gnomAD no frequency). This variant has not been reported in the literature in individuals affected with ADAMTS2-related conditions. For these reasons, this variant has been classified as Pathogenic.

Literature cited by the submitters: PubMed 10417273.